The following is an entry in ClinVar:

ClinVar aggregate classification (germline): Uncertain significance. Review status: criteria provided, multiple submitters, no conflicts (2 of 4 stars). 2 submissions from 2 submitters: Uncertain significance (2). Last evaluated 2025-03-20.

Conditions:
Inborn genetic diseases. Identifiers: MedGen C0950123, MeSH D030342.
Brachyolmia-amelogenesis imperfecta syndrome. Also called: Tooth agenesis, selective, 6; Dental anomalies and short stature; PLATYSPONDYLY WITH AMELOGENESIS IMPERFECTA. Identifiers: Orphanet 2899, MedGen C1832594, MONDO:0011018, OMIM 601216. Disease mechanism: loss of function.

Allele frequency attached by ClinVar (database versions not stated): gnomAD exomes 0.00001.
gnomAD v4.1: 16 of 1,596,492 alleles (0.001%); highest among the groups gnomAD compares: Non-Finnish European, 0.0012%; no homozygotes.

Submissions (2):

Labcorp Genetics (formerly Invitae), Labcorp
Classification: Uncertain significance for Brachyolmia-amelogenesis imperfecta syndrome. Last evaluated: 2025-03-20. Review status: criteria provided, single submitter. Criteria: Invitae Variant Classification Sherloc (09022015). Collection method: clinical testing. Allele origin: germline.
Comment: This sequence change replaces glycine, which is neutral and non-polar, with serine, which is neutral and polar, at codon 157 of the LTBP3 protein (p.Gly157Ser). The frequency data for this variant in the population databases is considered unreliable, as metrics indicate poor data quality at this position in the gnomAD database. This variant has not been reported in the literature in individuals affected with LTBP3-related conditions. ClinVar contains an entry for this variant (Variation ID: 2185587). An algorithm developed to predict the effect of missense changes on protein structure and function (PolyPhen-2) suggests that this variant is likely to be tolerated. In summary, the available evidence is currently insufficient to determine the role of this variant in disease. Therefore, it has been classified as a Variant of Uncertain Significance.

Ambry Genetics
Classification: Uncertain significance for Inborn genetic diseases. Last evaluated: 2024-11-05. Review status: criteria provided, single submitter. Criteria: Ambry Variant Classification Scheme 2023. Collection method: clinical testing. Allele origin: germline.
Comment: The p.G157S variant (also known as c.469G>A), located in coding exon 2 of the LTBP3 gene, results from a G to A substitution at nucleotide position 469. The glycine at codon 157 is replaced by serine, an amino acid with similar properties. This amino acid position is conserved. In addition, this alteration is predicted to be tolerated by in silico analysis. Based on the available evidence, the clinical significance of this variant remains unclear.

NM_001130144.3(LTBP3):c.469G>A (p.Gly157Ser)

Gene: LTBP3 (latent transforming growth factor beta binding protein 3; minus strand). Cytogenetic location: 11q13.1.
Variant type: single nucleotide variant.
Coding change: c.469G>A on transcript NM_001130144.3 (MANE Select); coding-DNA position 469, G replaced by A.
Protein change: p.Gly157Ser; replaces glycine 157 with serine.
Molecular consequence: missense variant.
Genome position (GRCh38, 1-based): chr11:65,554,243, C>T on the plus strand (G>A on the coding strand, the complement: LTBP3 is on the minus strand). VCF-style: chr11-65554243-C-T. GRCh37 (hg19) VCF-style: chr11-65321714-C-T.
Other names: c.118G>A, p.Gly40Ser (NM_001164266.1); c.469G>A, p.Gly157Ser (NM_021070.4); c.469G>A (NM_001130144.2); short protein forms G40S, G157S.
Identifiers: ClinVar variation 2185587 (VCV002185587.5), dbSNP rs1377910700, ClinGen allele CA381276560.